The following is an entry in ClinVar:

ClinVar aggregate classification (germline): Benign (1 of 4 stars; one submission).

Conditions:
Hennekam lymphangiectasia-lymphedema syndrome 1 (HKLLS1). Also called: LYMPHATIC DYSPLASIA, GENERALIZED. Identifiers: Orphanet 2136, MedGen C4012050, MONDO:0009337, OMIM 235510.

Allele frequency attached by ClinVar (database versions not stated): gnomAD exomes 0.00053; gnomAD 0.00483 and 0.00515; TOPMed 0.00508; 1000 Genomes Project 30x 0.00515; 1000 Genomes Project 0.00519.

Submission:

Illumina Laboratory Services, Illumina
Classification: Benign for Hennekam lymphangiectasia-lymphedema syndrome 1. Last evaluated: 2018-01-12. Review status: criteria provided, single submitter. Criteria: ICSL Variant Classification Criteria 13 December 2019. Collection method: clinical testing. Allele origin: germline.
Comment: This variant was observed in the ICSL laboratory as part of a predisposition screen in an ostensibly healthy population. It had not been previously curated by ICSL or reported in the Human Gene Mutation Database (HGMD: prior to June 1st, 2018), and was therefore a candidate for classification through an automated scoring system. Utilizing variant allele frequency, disease prevalence and penetrance estimates, and inheritance mode, an automated score was calculated to assess if this variant is too frequent to cause the disease. Based on the score and internal cut-off values, a variant classified as benign is not then subjected to further curation. The score for this variant resulted in a classification of benign for this disease.

NM_133459.4(CCBE1):c.*154G>A

Gene: CCBE1 (collagen and calcium binding EGF domains 1; minus strand). Cytogenetic location: 18q21.32.
Variant type: single nucleotide variant.
Coding change: c.*154G>A on transcript NM_133459.4 (MANE Select); 154 bases downstream of the stop codon, G replaced by A.
Molecular consequence: 3 prime UTR variant.
Genome position (GRCh38, 1-based): chr18:59,435,754, C>T on the plus strand (G>A on the coding strand, the complement: CCBE1 is on the minus strand). VCF-style: chr18-59435754-C-T. GRCh37 (hg19) VCF-style: chr18-57102986-C-T.
Other names: c.*154G>A (LRG_1209t1).
Identifiers: ClinVar variation 327698 (VCV000327698.5), dbSNP rs73963210, ClinGen allele CA10652066.